The following is an entry in ClinVar:

ClinVar aggregate classification (germline): Uncertain significance. Review status: criteria provided, multiple submitters, no conflicts (2 of 4 stars). 2 submissions from 2 submitters: Uncertain significance (2). Last evaluated 2023-07-08.

Conditions:
Hereditary cancer-predisposing syndrome. Also called: Neoplastic Syndromes, Hereditary; Tumor predisposition; Hereditary Cancer Syndrome; Hereditary neoplastic syndrome. Identifiers: Orphanet 140162, MedGen C0027672, MeSH D009386, MONDO:0015356.
Ataxia-telangiectasia-like disorder 1 (ATLD1). Identifiers: Orphanet 251347, MedGen C4012790, MONDO:0024557, OMIM 604391.

Allele frequency attached by ClinVar (database versions not stated): gnomAD exomes below 0.00001; gnomAD 0.00001.
gnomAD v4.1: 2 of 1,614,022 alleles (0.00012%); highest among the groups gnomAD compares: African/African-American, 0.0013%; no homozygotes.

Submissions (2):

Baylor Genetics
Classification: Uncertain significance for Ataxia-telangiectasia-like disorder 1. Last evaluated: 2023-07-08. Review status: criteria provided, single submitter. Criteria: ACMG Guidelines, 2015. Collection method: clinical testing. Allele origin: unknown.

Ambry Genetics
Classification: Uncertain significance for Hereditary cancer-predisposing syndrome. Last evaluated: 2021-09-22. Review status: criteria provided, single submitter. Criteria: Ambry Variant Classification Scheme 2023. Collection method: clinical testing. Allele origin: germline.
Comment: The p.Q532H variant (also known as c.1596G>C), located in coding exon 14 of the MRE11A gene, results from a G to C substitution at nucleotide position 1596. The glutamine at codon 532 is replaced by histidine, an amino acid with highly similar properties. This amino acid position is conserved. In addition, this alteration is predicted to be tolerated by in silico analysis. Since supporting evidence is limited at this time, the clinical significance of this alteration remains unclear.

NM_005591.4(MRE11):c.1596G>C (p.Gln532His)

Gene: MRE11 (MRE11 double strand break repair nuclease; minus strand). Cytogenetic location: 11q21.
Variant type: single nucleotide variant.
Coding change: c.1596G>C on transcript NM_005591.4 (MANE Select); coding-DNA position 1596, G replaced by C.
Protein change: p.Gln532His; replaces glutamine 532 with histidine.
Molecular consequence: missense variant.
Genome position (GRCh38, 1-based): chr11:94,447,406, C>G on the plus strand (G>C on the coding strand, the complement: MRE11 is on the minus strand). VCF-style: chr11-94447406-C-G. GRCh37 (hg19) VCF-style: chr11-94180572-C-G.
Other names: c.1596G>C, p.Gln532His (NM_001330347.2, NM_005590.4); short protein forms Q532H.
Identifiers: ClinVar variation 1799863 (VCV001799863.3), dbSNP rs1243351374, ClinGen allele CA382368706.
Genomic context (GRCh38, chr11:94,447,406, plus strand): 5'-TTCTGCTAAATCTATACTCATAAGGTCATCAGCACTAAAGGCAGAAGCAGACTCCTCTGA[C>G]TGAGATCTGAGTGCTCTGGCCCTGGTCATAGCCTAAGAGGGAGAAGAAGGAGAAAGTACA-3'
Protein context (NP_005582.1, residues 522-542): AMTRARALRS[Gln532His]SEESASAFSA